The following is an entry in ClinVar:

ClinVar aggregate classification (germline): Uncertain significance. Review status: criteria provided, multiple submitters, no conflicts (2 of 4 stars). 2 submissions from 2 submitters: Uncertain significance (2). Last evaluated 2022-07-09.

Conditions:
Rhizomelic chondrodysplasia punctata type 2 (RCDP2). Also called: DIHYDROXYACETONEPHOSPHATE ACYLTRANSFERASE DEFICIENCY; glyceronephosphate O-acyltransferase (GNPAT) deficiency; Glyceronephosphate O-acyltransferase deficiency; DHAPAT DEFICIENCY; PEROXISOMAL DIHYDROXYACETONEPHOSPHATE ACYLTRANSFERASE DEFICIENCY; Chondrodysplasia punctata, rhizomelic, due to dihydroxyacetonephosphate acyltransferase deficiency. Identifiers: Orphanet 177, Orphanet 309796, MedGen C1857242, MONDO:0100273, OMIM 222765. Disease mechanism: loss of function.

Allele frequency attached by ClinVar (database versions not stated): gnomAD exomes 0.00003 and 0.00007; ESP Exome Variant Server 0.00015; gnomAD 0.00006; TOPMed 0.00005; ExAC 0.00007.
gnomAD v4.1: 54 of 1,613,838 alleles (0.0033%); highest among the groups gnomAD compares: Middle Eastern, 0.016%; no homozygotes.

Submissions (2):

Labcorp Genetics (formerly Invitae), Labcorp
Classification: Uncertain significance. Last evaluated: 2022-07-09. Review status: criteria provided, single submitter. Criteria: Invitae Variant Classification Sherloc (09022015). Collection method: clinical testing. Allele origin: germline.
Comment: This sequence change replaces serine, which is neutral and polar, with tyrosine, which is neutral and polar, at codon 336 of the GNPAT protein (p.Ser336Tyr). This variant is present in population databases (rs373497748, gnomAD 0.1%). This variant has not been reported in the literature in individuals affected with GNPAT-related conditions. ClinVar contains an entry for this variant (Variation ID: 296117). Algorithms developed to predict the effect of missense changes on protein structure and function are either unavailable or do not agree on the potential impact of this missense change (SIFT: "Deleterious"; PolyPhen-2: "Probably Damaging"; Align-GVGD: "Class C0"). In summary, the available evidence is currently insufficient to determine the role of this variant in disease. Therefore, it has been classified as a Variant of Uncertain Significance.

Illumina Laboratory Services, Illumina
Classification: Uncertain significance for Rhizomelic chondrodysplasia punctata type 2. Last evaluated: 2018-01-13. Review status: criteria provided, single submitter. Criteria: ICSL Variant Classification Criteria 13 December 2019. Collection method: clinical testing. Allele origin: germline.

NM_014236.4(GNPAT):c.1007C>A (p.Ser336Tyr)

Gene: GNPAT (glyceronephosphate O-acyltransferase; plus strand). Cytogenetic location: 1q42.2.
Variant type: single nucleotide variant.
Coding change: c.1007C>A on transcript NM_014236.4 (MANE Select); coding-DNA position 1007, C replaced by A.
Protein change: p.Ser336Tyr; replaces serine 336 with tyrosine.
Molecular consequence: missense variant.
Genome position (GRCh38, 1-based): chr1:231,266,359, C>A. VCF-style: chr1-231266359-C-A. GRCh37 (hg19) VCF-style: chr1-231402105-C-A.
Other names: c.824C>A, p.Ser275Tyr (NM_001316350.2); short protein forms S336Y, S275Y.
Identifiers: ClinVar variation 296117 (VCV000296117.6), dbSNP rs373497748, ClinGen allele CA1451942.
Genomic context (GRCh38, chr1:231,266,359, plus strand): 5'-TTCTCTCTGAAAATTTTGGAAGCATCCATGTGTACTTTGGAGATCCTGTGTCACTTCGAT[C>A]TTTGGCAGCTGGGAGGATGAGTCGGAGCTCATATAACTTGGTTCCAAGGTGTGACCTGTG-3'
Protein context (NP_055051.1, residues 326-346): VYFGDPVSLR[Ser336Tyr]LAAGRMSRSS